The following is an entry in ClinVar:

NM_144991.3(TSPEAR):c.1238_1239del (p.Phe413fs)

Gene: TSPEAR (thrombospondin type laminin G domain and EAR repeats; minus strand). Cytogenetic location: 21q22.3.
Variant type: Deletion.
Coding change: c.1238_1239del on transcript NM_144991.3 (MANE Select); coding-DNA positions 1238 to 1239, 2 bases deleted (TT; older notation c.1238_1239delTT).
Protein change: p.Phe413fs; shifts the reading frame from phenylalanine 413.
Molecular consequence: frameshift variant.
Genome position (GRCh38, 1-based): chr21:44,525,750-44,525,751, AA deleted on the plus strand (TT on the coding strand, the reverse complement: TSPEAR is on the minus strand); deleting any 2 consecutive bases within chr21:44,525,750-44,525,752 gives the same sequence; the c. name uses the placement nearest the transcript's 3' end. VCF-style (leftmost placement, unchanged base first): chr21-44525749-TAA-T. GRCh37 (hg19) VCF-style: chr21-45945632-TAA-T.
Other names: c.1034_1035del, p.Phe345fs (NM_001272037.2); c.1238_1239delTT (NM_144991.3); short protein forms F345fs, F413fs.
Identifiers: ClinVar variation 4081842 (VCV004081842.1).

ClinVar aggregate classification (germline): Pathogenic (1 of 4 stars; one submission).

Conditions:
Tooth agenesis, selective, 10 (STHAG10). Identifiers: MedGen C5774277, MONDO:0859339, OMIM 620173.
Autosomal recessive nonsyndromic hearing loss 98. Also called: Deafness, autosomal recessive 98. Identifiers: Orphanet 90636, MedGen C3553932, MONDO:0013929, OMIM 614861.
Ectodermal dysplasia 14, hair/tooth type with or without hypohidrosis. Identifiers: Orphanet 685067, MedGen C4748560, MONDO:0032584, OMIM 618180.

Submission:

Medical Genetics, Meyer Children Hospital
Classification: Pathogenic for Ectodermal dysplasia 14, hair/tooth type with or without hypohidrosis; Autosomal recessive nonsyndromic hearing loss 98; Tooth agenesis, selective, 10. Last evaluated: 2025-08-04. Review status: criteria provided, single submitter. Criteria: ACMG Guidelines, 2015. Collection method: clinical testing. Allele origin: paternal. Affected: yes.
Comment: PVS1, PM2, PM3